The following is an entry in ClinVar:

NM_021072.4(HCN1):c.1399C>T (p.Arg467Trp)

Gene: HCN1 (hyperpolarization activated cyclic nucleotide gated potassium channel 1; minus strand). Cytogenetic location: 5p12.
Variant type: single nucleotide variant.
Coding change: c.1399C>T on transcript NM_021072.4 (MANE Select); coding-DNA position 1399, C replaced by T.
Protein change: p.Arg467Trp; replaces arginine 467 with tryptophan.
Molecular consequence: missense variant.
Genome position (GRCh38, 1-based): chr5:45,303,818, G>A on the plus strand (C>T on the coding strand, the complement: HCN1 is on the minus strand). VCF-style: chr5-45303818-G-A. GRCh37 (hg19) VCF-style: chr5-45303920-G-A.
Other names: short protein forms R467W.
Identifiers: ClinVar variation 1687675 (VCV001687675.7), dbSNP rs1745674495, ClinGen allele CA359702807.

ClinVar aggregate classification (germline): Uncertain significance. Review status: criteria provided, multiple submitters, no conflicts (2 of 4 stars). 2 submissions from 2 submitters: Uncertain significance (2). Last evaluated 2022-08-22.

Conditions:
Early-infantile DEE. Also called: Early infantile epileptic encephalopathy with suppression bursts; Early infantile epileptic encephalopathy; Ohtahara syndrome. Identifiers: Orphanet 1934, MedGen C0393706, MONDO:0800491.

gnomAD v4.1: 1 of 1,613,084 alleles (0.000062%); highest among the groups gnomAD compares: Non-Finnish European, 0.000085%; no homozygotes.

Submissions (2):

Labcorp Genetics (formerly Invitae), Labcorp
Classification: Uncertain significance for Early-infantile DEE. Last evaluated: 2022-08-22. Review status: criteria provided, single submitter. Criteria: Invitae Variant Classification Sherloc (09022015). Collection method: clinical testing. Allele origin: germline.
Comment: Algorithms developed to predict the effect of missense changes on protein structure and function (SIFT, PolyPhen-2, Align-GVGD) all suggest that this variant is likely to be disruptive. In summary, the available evidence is currently insufficient to determine the role of this variant in disease. Therefore, it has been classified as a Variant of Uncertain Significance. ClinVar contains an entry for this variant (Variation ID: 1687675). This sequence change replaces arginine, which is basic and polar, with tryptophan, which is neutral and slightly polar, at codon 467 of the HCN1 protein (p.Arg467Trp). This variant is not present in population databases (gnomAD no frequency). This variant has not been reported in the literature in individuals affected with HCN1-related conditions.

GeneDx
Classification: Uncertain significance. Last evaluated: 2022-05-23. Review status: criteria provided, single submitter. Criteria: GeneDx Variant Classification Process June 2021. Collection method: clinical testing. Allele origin: germline. Affected: yes.
Comment: Not observed at significant frequency in large population cohorts (gnomAD); In silico analysis supports that this missense variant has a deleterious effect on protein structure/function; Has not been previously published as pathogenic or benign to our knowledge